The following is an entry in ClinVar:

NM_007194.3(CHEK2):c.320-?_*154+?dup

Gene: CHEK2 (checkpoint kinase 2; minus strand).
Variant type: Duplication.
Coding change: c.320-?_*154+?dup on transcript NM_007194.3.
Identifiers: ClinVar variation 240744 (VCV000240744.2).

ClinVar aggregate classification (germline): Uncertain significance (1 of 4 stars; one submission).

Conditions:
Familial cancer of breast. Also called: Hereditary breast cancer; BREAST CANCER, FAMILIAL; hereditary breast carcinoma. Identifiers: Orphanet 227535, MedGen C0346153, MONDO:0016419, OMIM 114480. Disease mechanism: loss of function.

Submission:

Labcorp Genetics (formerly Invitae), Labcorp
Classification: Uncertain significance for Familial cancer of breast. Last evaluated: 2016-02-24. Review status: criteria provided, single submitter. Criteria: Invitae Variant Classification Sherloc (09022015). Collection method: clinical testing. Allele origin: germline.
Comment: This variant is a gross duplication of the genomic region encompassing exons 3-15 of the CHEK2 gene. The 5' boundary is likely confined to intron 2. The 3' end of this event is unknown as it extends beyond the assayed region for this gene and therefore may encompass additional genes. This variant is not present in population databases (ExAC no frequency) and has not been reported in the literature. The exact genomic position of the duplicated exons cannot be determined from this data, and the effect of this sequence change on CHEK2 function is unknown. Therefore, it has been classified as a Variant of Uncertain Significance.